The following is an entry in ClinVar:

ClinVar aggregate classification (germline): Uncertain significance (1 of 4 stars; one submission).

gnomAD v4.1: 4 of 1,614,046 alleles (0.00025%); highest among the groups gnomAD compares: African/African-American, 0.0053%; no homozygotes.

Submission:

GeneDx
Classification: Uncertain significance. Last evaluated: 2023-10-20. Review status: criteria provided, single submitter. Criteria: GeneDx Variant Classification Process June 2021. Collection method: clinical testing. Allele origin: germline. Affected: yes.
Comment: Not observed at significant frequency in large population cohorts (gnomAD); In silico analysis supports that this missense variant does not alter protein structure/function; Has not been previously published as pathogenic or benign to our knowledge

NM_001330078.2(NRXN1):c.4051A>C (p.Ile1351Leu)

Gene: NRXN1 (neurexin 1; minus strand). Cytogenetic location: 2p16.3.
Variant type: single nucleotide variant.
Coding change: c.4051A>C on transcript NM_001330078.2 (MANE Select); coding-DNA position 4051, A replaced by C.
Protein change: p.Ile1351Leu; replaces isoleucine 1351 with leucine.
Molecular consequence: missense variant.
Genome position (GRCh38, 1-based): chr2:50,053,348, T>G on the plus strand (A>C on the coding strand, the complement: NRXN1 is on the minus strand). VCF-style: chr2-50053348-T-G. GRCh37 (hg19) VCF-style: chr2-50280486-T-G.
Other names: c.3910A>C, p.Ile1304Leu (NM_001330095.2); c.3850A>C, p.Ile1284Leu (NM_001330096.2, NM_001330087.2); c.856A>C, p.Ile286Leu (NM_001330097.2, NM_138735.5); c.3961A>C, p.Ile1321Leu (NM_004801.6); c.4171A>C, p.Ile1391Leu (NM_001135659.3); c.4027A>C, p.Ile1343Leu (NM_001330077.2, NM_001330082.2); c.3895A>C, p.Ile1299Leu (NM_001330083.2); c.3985A>C, p.Ile1329Leu (NM_001330084.2); and 6 more; short protein forms I1284L, I1294L, I1299L, I1304L, I1321L, I1329L, I1342L, I1343L.
Identifiers: ClinVar variation 3363274 (VCV003363274.1).
Genomic context (GRCh38, chr2:50,053,348, plus strand): 5'-TTGTCGGGGGCTTTCCTCTTCTGGCTGTGCTAGTAGCCAGGGTCGTGGTAGTCTCCATAA[T>G]TGATGTGGACATCTCTGATTGCATGGCAGTGGCTGTTGACTCAGTTGTCATAGAGGAAGG-3'
Protein context (NP_001317007.1, residues 1341-1361): TAMQSEMSTS[Ile1351Leu]METTTTLATS